The following is an entry in ClinVar:

NM_000038.6(APC):c.1289del (p.Gly430fs)

Gene: APC (APC regulator of Wnt signaling pathway; plus strand). Cytogenetic location: 5q22.2.
Variant type: Deletion.
Coding change: c.1289del on transcript NM_000038.6 (MANE Select); coding-DNA position 1289, one base deleted (G; older notation c.1289delG).
Protein change: p.Gly430fs; shifts the reading frame from glycine 430.
Molecular consequence: frameshift variant.
Genome position (GRCh38, 1-based): chr5:112,819,321, G deleted; the last of 2 consecutive G bases (chr5:112,819,320-112,819,321); deleting either gives the same sequence. VCF-style (leftmost placement, unchanged base first): chr5-112819319-AG-A. GRCh37 (hg19) VCF-style: chr5-112155016-AG-A.
Other names: c.1289del, p.Gly430fs (NM_001127510.3, NM_001354895.2, NM_001354896.2); c.1235del, p.Gly412fs (NM_001127511.3); c.1319del, p.Gly440fs (NM_001354897.2); c.1214del, p.Gly405fs (NM_001354898.2); c.1205del, p.Gly402fs (NM_001354899.2); c.1112del, p.Gly371fs (NM_001354900.2, NM_001354901.2); c.1016del, p.Gly339fs (NM_001354902.2); c.986del, p.Gly329fs (NM_001354903.2); and 12 more; short protein forms G270fs, G339fs, G405fs, G412fs, G430fs, G147fs, G304fs, G402fs.
Identifiers: ClinVar variation 1946979 (VCV001946979.5), dbSNP rs2533059578, ClinGen allele CA2580072572.

ClinVar aggregate classification (germline): Pathogenic (1 of 4 stars; one submission).

Conditions:
Familial adenomatous polyposis 1 (FAP1). Also called: FAMILIAL ADENOMATOUS POLYPOSIS 1, ATTENUATED; POLYPOSIS, ADENOMATOUS INTESTINAL. Identifiers: MedGen C2713442, MONDO:0021056, OMIM 175100. Disease mechanism: loss of function.

Submission:

Labcorp Genetics (formerly Invitae), Labcorp
Classification: Pathogenic for Familial adenomatous polyposis 1. Last evaluated: 2025-07-30. Review status: criteria provided, single submitter. Criteria: Invitae Variant Classification Sherloc (09022015). Collection method: clinical testing. Allele origin: germline.
Comment: This sequence change creates a premature translational stop signal (p.Gly430Alafs*24) in the APC gene. It is expected to result in an absent or disrupted protein product. Loss-of-function variants in APC are known to be pathogenic (PMID: 17963004, 20685668). This variant is not present in population databases (gnomAD no frequency). This variant has not been reported in the literature in individuals affected with APC-related conditions. ClinVar contains an entry for this variant (Variation ID: 1946979). For these reasons, this variant has been classified as Pathogenic.

Literature cited by the submitters: PubMed 17963004; PubMed 20685668.